The following is an entry in ClinVar:

ClinVar aggregate classification (germline): Uncertain significance (1 of 4 stars; one submission).

Conditions:
Multiple congenital anomalies-hypotonia-seizures syndrome 1 (MCAHS1). Also called: PIGN-CDG; Congenital disorder of glycosylation due to PIGN deficiency; GLYCOSYLPHOSPHATIDYLINOSITOL BIOSYNTHESIS DEFECT 3. Identifiers: Orphanet 280633, MedGen C3279775, MONDO:0013563, OMIM 614080.

Allele frequency attached by ClinVar (database versions not stated): TOPMed below 0.00001; ExAC 0.00001; gnomAD 0.00001; gnomAD exomes 0.00001.
gnomAD v4.1: 6 of 1,613,290 alleles (0.00037%); highest among the groups gnomAD compares: South Asian, 0.0033%; no homozygotes.

Submission:

Labcorp Genetics (formerly Invitae), Labcorp
Classification: Uncertain significance for Multiple congenital anomalies-hypotonia-seizures syndrome 1. Last evaluated: 2024-10-24. Review status: criteria provided, single submitter. Criteria: Invitae Variant Classification Sherloc (09022015). Collection method: clinical testing. Allele origin: germline.
Comment: This sequence change replaces methionine, which is neutral and non-polar, with valine, which is neutral and non-polar, at codon 901 of the PIGN protein (p.Met901Val). This variant is present in population databases (rs771767518, gnomAD 0.007%). This variant has not been reported in the literature in individuals affected with PIGN-related conditions. ClinVar contains an entry for this variant (Variation ID: 1475663). Invitae Evidence Modeling of protein sequence and biophysical properties (such as structural, functional, and spatial information, amino acid conservation, physicochemical variation, residue mobility, and thermodynamic stability) indicates that this missense variant is not expected to disrupt PIGN protein function with a negative predictive value of 80%. In summary, the available evidence is currently insufficient to determine the role of this variant in disease. Therefore, it has been classified as a Variant of Uncertain Significance.

NM_176787.5(PIGN):c.2701A>G (p.Met901Val)

Gene: PIGN (phosphatidylinositol glycan anchor biosynthesis class N; minus strand). Cytogenetic location: 18q21.33.
Variant type: single nucleotide variant.
Coding change: c.2701A>G on transcript NM_176787.5 (MANE Select); coding-DNA position 2701, A replaced by G.
Protein change: p.Met901Val; replaces methionine 901 with valine.
Molecular consequence: missense variant.
Genome position (GRCh38, 1-based): chr18:62,045,951, T>C on the plus strand (A>G on the coding strand, the complement: PIGN is on the minus strand). VCF-style: chr18-62045951-T-C. GRCh37 (hg19) VCF-style: chr18-59713184-T-C.
Other names: c.2701A>G, p.Met901Val (NM_012327.6); short protein forms M901V.
Identifiers: ClinVar variation 1475663 (VCV001475663.5), dbSNP rs771767518, ClinGen allele CA8981887.